The following is an entry in ClinVar:

NM_001458.5(FLNC):c.670C>T (p.Gln224Ter)

Gene: FLNC (filamin C; plus strand). Cytogenetic location: 7q32.1.
Variant type: single nucleotide variant.
Coding change: c.670C>T on transcript NM_001458.5 (MANE Select); coding-DNA position 670, C replaced by T.
Protein change: p.Gln224Ter; replaces glutamine 224 with a stop codon.
Molecular consequence: nonsense.
Genome position (GRCh38, 1-based): chr7:128,837,228, C>T. VCF-style: chr7-128837228-C-T. GRCh37 (hg19) VCF-style: chr7-128477282-C-T.
Other names: c.670C>T, p.Gln224Ter (NM_001127487.2); short protein forms Q224*.
Identifiers: ClinVar variation 2933865 (VCV002933865.3), dbSNP rs2536617663, ClinGen allele CA369221415.

ClinVar aggregate classification (germline): Pathogenic (1 of 4 stars; one submission).

Conditions:
Myofibrillar myopathy 5. Also called: Filaminopathy (type); FILAMINOPATHY, AUTOSOMAL DOMINANT. Identifiers: Orphanet 171445, MedGen C1836050, MONDO:0012289, OMIM 609524.
Distal myopathy with posterior leg and anterior hand involvement. Also called: WILLIAMS DISTAL MYOPATHY. Identifiers: Orphanet 63273, MedGen C3279722, MONDO:0013550, OMIM 614065.
Hypertrophic cardiomyopathy 26. Also called: Cardiomyopathy, familial hypertrophic, 26. Identifiers: Orphanet 75249, MedGen C4310749, MONDO:0014883, OMIM 617047.

Submission:

Labcorp Genetics (formerly Invitae), Labcorp
Classification: Pathogenic for Distal myopathy with posterior leg and anterior hand involvement; Myofibrillar myopathy 5; Hypertrophic cardiomyopathy 26. Last evaluated: 2023-09-15. Review status: criteria provided, single submitter. Criteria: Invitae Variant Classification Sherloc (09022015). Collection method: clinical testing. Allele origin: germline.
Comment: For these reasons, this variant has been classified as Pathogenic. This variant has not been reported in the literature in individuals affected with FLNC-related conditions. This variant is not present in population databases (gnomAD no frequency). This sequence change creates a premature translational stop signal (p.Gln224*) in the FLNC gene. It is expected to result in an absent or disrupted protein product. Loss-of-function variants in FLNC are known to be pathogenic (PMID: 27908349).

Literature cited by the submitters: PubMed 27908349.